The following is an entry in ClinVar:

ClinVar aggregate classification (germline): Likely pathogenic (1 of 4 stars; one submission).

Conditions:
Mucopolysaccharidosis, MPS-II (MPS2). Also called: Hunter Syndrome; IDURONATE 2-SULFATASE DEFICIENCY; Mucopolysaccharidosis Type II; Mucopolysaccharidosis type 2; Attenuated MPS (subtype; formerly known as mild MPS II); Severe MPS II. Identifiers: Orphanet 580, Orphanet 79388, MedGen C0026705, MONDO:0010674, OMIM 309900.

Submission:

Laboratory of Diagnosis and Therapy of Lysosomal Disorders, University of Padova
Classification: Likely pathogenic for Mucopolysaccharidosis, MPS-II. Last evaluated: 2024-06-07. Review status: criteria provided, single submitter. Criteria: ACMG Guidelines, 2015. Collection method: literature only. Allele origin: germline. Affected: yes. Observed: 3 variant alleles.
Comment: Absent from controls (or at low frequency) in gnomAD database (PM2_Moderate), Missense variant in a gene with a low rate of benign missense variation (PP2_Supporting), Multiple lines of computational evidence support a deleterious effect (PP3_Supporting), Patient’s phenotype or family history highly specific for the disease (PP4_Strong)

Classification method: ACMG Guidelines [PMID:25741868] with modifications

Literature cited by the submitters: PubMed 9501270; PubMed 7887413; PubMed 35568060.

NM_000202.8(IDS):c.673T>G (p.Tyr225Asp)

Genes: IDS (iduronate 2-sulfatase; minus strand), LOC106050102 (IDS recombination region; plus strand). Cytogenetic location: Xq28.
Variant type: single nucleotide variant.
Coding change: c.673T>G on transcript NM_000202.8 (MANE Select); coding-DNA position 673, T replaced by G.
Protein change: p.Tyr225Asp; replaces tyrosine 225 with aspartic acid.
Molecular consequence: missense variant. On other transcripts: non-coding transcript variant (1).
Genome position (GRCh38, 1-based): chrX:149,498,142, A>C on the plus strand (T>G on the coding strand, the complement: IDS is on the minus strand). VCF-style: chrX-149498142-A-C. GRCh37 (hg19) VCF-style: chrX-148579673-A-C.
Other names: c.403T>G, p.Tyr135Asp (NM_001166550.4); c.673T>G, p.Tyr225Asp (NM_006123.5); short protein forms Y135D, Y225D.
Identifiers: ClinVar variation 3255794 (VCV003255794.2).
Genomic context (GRCh38, chrX:149,498,142, plus strand): 5'-GATCAGCCCTCAACCAGCTCTTCACCTTGGGGTATCTGAAGGGGATGTGTGGCTTATGAT[A>C]CCCAACGGCCAGGAAGAAAGGACTGGCTGACGTTTTCATCTTTTCCAACAACTGTATGGC-3'
Protein context (NP_000193.1, residues 215-235): SASPFFLAVG[Tyr225Asp]HKPHIPFRYP